The following is an entry in ClinVar:

NM_015409.5(EP400):c.8187G>A (p.Gln2729=)

Gene: EP400 (E1A binding protein p400; plus strand). Cytogenetic location: 12q24.33.
Variant type: single nucleotide variant.
Coding change: c.8187G>A on transcript NM_015409.5 (MANE Select); coding-DNA position 8187, G replaced by A.
Protein change: p.Gln2729=; no amino-acid change (glutamine 2729 retained).
Molecular consequence: synonymous variant.
Genome position (GRCh38, 1-based): chr12:132,062,554, G>A. VCF-style: chr12-132062554-G-A. GRCh37 (hg19) VCF-style: chr12-132547099-G-A.
Identifiers: ClinVar variation 3033640 (VCV003033640.2), dbSNP rs145603866, ClinGen allele CA6887039.

ClinVar aggregate classification (germline): Likely benign (0 of 4 stars; one submission).

Conditions:
EP400-related disorder. Also called: EP400-related condition.

Allele frequency attached by ClinVar (database versions not stated): gnomAD 0.00008; gnomAD exomes 0.00002; ExAC 0.00005.
gnomAD v4.1: 47 of 1,534,098 alleles (0.0031%); highest among the groups gnomAD compares: African/African-American, 0.015%; no homozygotes.

Submission:

PreventionGenetics, part of Exact Sciences
Classification: Likely benign for EP400-related condition. Last evaluated: 2019-06-17. Review status: no assertion criteria provided. Collection method: clinical testing. Allele origin: germline.
Comment: This variant is classified as likely benign based on ACMG/AMP sequence variant interpretation guidelines (Richards et al. 2015 PMID: 25741868, with internal and published modifications).